The following is an entry in ClinVar:

NM_025074.7(FRAS1):c.7029+9A>G

Gene: FRAS1 (Fraser extracellular matrix complex subunit 1; plus strand). Cytogenetic location: 4q21.21.
Variant type: single nucleotide variant.
Coding change: c.7029+9A>G on transcript NM_025074.7 (MANE Select); 9 bases into the intron after coding-DNA position 7029, A replaced by G.
Molecular consequence: intron variant.
Genome position (GRCh38, 1-based): chr4:78,464,592, A>G. VCF-style: chr4-78464592-A-G. GRCh37 (hg19) VCF-style: chr4-79385746-A-G.
Other names: c.7029+9A>G (NM_025074.6).
Identifiers: ClinVar variation 2415366 (VCV002415366.8), dbSNP rs188606284, ClinGen allele CA2977961.

ClinVar aggregate classification (germline): Likely benign. Review status: criteria provided, single submitter (1 of 4 stars). 2 submissions from 2 submitters: Likely benign (1). 1 of the submissions does not count toward it. Last evaluated 2025-06-12.

Conditions:
FRAS1-related disorder. Also called: FRAS1-related condition.

gnomAD v4.1: 29 of 1,612,904 alleles (0.0018%); highest among the groups gnomAD compares: African/African-American, 0.019%; no homozygotes.

Submissions (2):

Labcorp Genetics (formerly Invitae), Labcorp
Classification: Likely benign. Last evaluated: 2025-06-12. Review status: criteria provided, single submitter. Criteria: Invitae Variant Classification Sherloc (09022015). Collection method: clinical testing. Allele origin: germline.

PreventionGenetics, part of Exact Sciences
Classification: Likely benign for FRAS1-related condition. Last evaluated: 2019-12-20. Review status: no assertion criteria provided. Collection method: clinical testing. Allele origin: germline. Not counted in ClinVar's aggregate classification.
Comment: This variant is classified as likely benign based on ACMG/AMP sequence variant interpretation guidelines (Richards et al. 2015 PMID: 25741868, with internal and published modifications).